The following is an entry in ClinVar:

NM_000057.4(BLM):c.481G>C (p.Asp161His)

Gene: BLM (BLM RecQ like helicase; plus strand). Cytogenetic location: 15q26.1.
Variant type: single nucleotide variant.
Coding change: c.481G>C on transcript NM_000057.4 (MANE Select); coding-DNA position 481, G replaced by C.
Protein change: p.Asp161His; replaces aspartic acid 161 with histidine.
Molecular consequence: missense variant. On other transcripts: 5 prime UTR variant (1).
Genome position (GRCh38, 1-based): chr15:90,749,749, G>C. VCF-style: chr15-90749749-G-C. GRCh37 (hg19) VCF-style: chr15-91292979-G-C.
Other names: c.481G>C, p.Asp161His (NM_001287246.2, NM_001287247.2); c.-811G>C (NM_001287248.2); short protein forms D161H.
Identifiers: ClinVar variation 2586872 (VCV002586872.2), dbSNP rs2505392757, ClinGen allele CA393840884.

ClinVar aggregate classification (germline): Uncertain significance (1 of 4 stars; one submission).

Conditions:
Hereditary cancer-predisposing syndrome. Also called: Hereditary neoplastic syndrome; Tumor predisposition; Hereditary Cancer Syndrome; Neoplastic Syndromes, Hereditary. Identifiers: Orphanet 140162, MedGen C0027672, MeSH D009386, MONDO:0015356.

Submission:

Ambry Genetics
Classification: Uncertain significance for Hereditary cancer-predisposing syndrome. Last evaluated: 2023-07-03. Review status: criteria provided, single submitter. Criteria: Ambry Variant Classification Scheme 2023. Collection method: clinical testing. Allele origin: germline.
Comment: The p.D161H variant (also known as c.481G>C), located in coding exon 2 of the BLM gene, results from a G to C substitution at nucleotide position 481. The aspartic acid at codon 161 is replaced by histidine, an amino acid with similar properties. This amino acid position is conserved. In addition, the in silico prediction for this alteration is inconclusive. Since supporting evidence is limited at this time, the clinical significance of this alteration remains unclear.